The following is an entry in ClinVar:

NM_004329.3(BMPR1A):c.905G>C (p.Trp302Ser)

Gene: BMPR1A (bone morphogenetic protein receptor type 1A; plus strand). Cytogenetic location: 10q23.2.
Variant type: single nucleotide variant.
Coding change: c.905G>C on transcript NM_004329.3 (MANE Select); coding-DNA position 905, G replaced by C.
Protein change: p.Trp302Ser; replaces tryptophan 302 with serine.
Molecular consequence: missense variant.
Genome position (GRCh38, 1-based): chr10:86,919,208, G>C. VCF-style: chr10-86919208-G-C. GRCh37 (hg19) VCF-style: chr10-88678965-G-C.
Other names: c.905G>C, p.Trp302Ser (NM_001406568.1, NM_001406569.1, NM_001406570.1 and 19 more transcripts); c.899G>C, p.Trp300Ser (NM_001406583.1); c.821G>C, p.Trp274Ser (NM_001406584.1, NM_001406585.1, NM_001406586.1 and 2 more transcripts); c.563G>C, p.Trp188Ser (NM_001406589.1); c.980G>C, p.Trp327Ser (NM_001406559.1); c.953G>C, p.Trp318Ser (NM_001406560.1); short protein forms W274S, W300S, W318S, W327S, W188S, W302S.
Identifiers: ClinVar variation 1765625 (VCV001765625.4), dbSNP rs1589291548, ClinGen allele CA377459973.

ClinVar aggregate classification (germline): Uncertain significance. Review status: criteria provided, multiple submitters, no conflicts (2 of 4 stars). 2 submissions from 2 submitters: Uncertain significance (2). Last evaluated 2026-08-06.

Conditions:
Hereditary cancer-predisposing syndrome. Also called: Tumor predisposition; Hereditary neoplastic syndrome; Hereditary Cancer Syndrome; Neoplastic Syndromes, Hereditary. Identifiers: Orphanet 140162, MedGen C0027672, MeSH D009386, MONDO:0015356.

Submissions (2):

OLLIN Analises Genomicas, OLLIN
Classification: Uncertain significance. Last evaluated: 2026-08-06. Review status: criteria provided, single submitter. Criteria: ACMG Guidelines 2015 PMID 25741868. Collection method: clinical testing. Allele origin: germline.
Comment: This missense variant, located in exon 10 (of 13), is absent from gnomAD and has not been identified in the literature. However, it has been reported in ClinVar (accession VCV003598495.1). In silico analysis is inconclusive regarding the impact of this variant. According to the currently available evidence, this variant has been classified as uncertain significance (PM2_P).

Ambry Genetics
Classification: Uncertain significance for Hereditary cancer-predisposing syndrome. Last evaluated: 2025-03-17. Review status: criteria provided, single submitter. Criteria: Ambry Variant Classification Scheme 2023. Collection method: clinical testing. Allele origin: germline.
Comment: The p.W302S variant (also known as c.905G>C), located in coding exon 8 of the BMPR1A gene, results from a G to C substitution at nucleotide position 905. The tryptophan at codon 302 is replaced by serine, an amino acid with highly dissimilar properties. This amino acid position is well conserved in available vertebrate species. In addition, this alteration is predicted to be tolerated by in silico analysis. Based on the available evidence, the clinical significance of this variant remains unclear.